The following is an entry in ClinVar:

NM_001042492.3(NF1):c.2932G>A (p.Gly978Ser)

Gene: NF1 (neurofibromin 1; plus strand). Cytogenetic location: 17q11.2.
Variant type: single nucleotide variant.
Coding change: c.2932G>A on transcript NM_001042492.3 (MANE Select); coding-DNA position 2932, G replaced by A.
Protein change: p.Gly978Ser; replaces glycine 978 with serine.
Molecular consequence: missense variant.
Genome position (GRCh38, 1-based): chr17:31,229,916, G>A. VCF-style: chr17-31229916-G-A. GRCh37 (hg19) VCF-style: chr17-29556934-G-A.
Other names: c.2932G>A, p.Gly978Ser (NM_000267.4); short protein forms G978S.
Identifiers: ClinVar variation 856252 (VCV000856252.6), dbSNP rs1597716367, ClinGen allele CA398986243.

ClinVar aggregate classification (germline): Uncertain significance (1 of 4 stars; one submission).

Conditions:
Neurofibromatosis, type 1 (NF1). Also called: Neurofibromatosis, type I; VON RECKLINGHAUSEN DISEASE; Peripheral type neurofibromatosis; NEUROFIBROMATOSIS, TYPE I, SOMATIC. Identifiers: Orphanet 636, MedGen C0027831, MONDO:0018975, OMIM 162200. Disease mechanism: loss of function.

Submission:

Labcorp Genetics (formerly Invitae), Labcorp
Classification: Uncertain significance for Neurofibromatosis, type 1. Last evaluated: 2024-11-27. Review status: criteria provided, single submitter. Criteria: Invitae Variant Classification Sherloc (09022015). Collection method: clinical testing. Allele origin: germline.
Comment: This sequence change replaces glycine, which is neutral and non-polar, with serine, which is neutral and polar, at codon 978 of the NF1 protein (p.Gly978Ser). This variant is not present in population databases (gnomAD no frequency). This variant has not been reported in the literature in individuals affected with NF1-related conditions. ClinVar contains an entry for this variant (Variation ID: 856252). Invitae Evidence Modeling of protein sequence and biophysical properties (such as structural, functional, and spatial information, amino acid conservation, physicochemical variation, residue mobility, and thermodynamic stability) has been performed for this missense variant. However, the output from this modeling did not meet the statistical confidence thresholds required to predict the impact of this variant on NF1 protein function. In summary, the available evidence is currently insufficient to determine the role of this variant in disease. Therefore, it has been classified as a Variant of Uncertain Significance.